The following is an entry in ClinVar:

ClinVar aggregate classification (germline): Uncertain significance (1 of 4 stars; one submission).

Allele frequency attached by ClinVar (database versions not stated): gnomAD 0.00001; gnomAD exomes 0.00001; TOPMed 0.00001; ExAC 0.00002.
gnomAD v4.1: 8 of 1,614,114 alleles (0.0005%); highest among the groups gnomAD compares: Admixed American, 0.01%; no homozygotes.

Submission:

Labcorp Genetics (formerly Invitae), Labcorp
Classification: Uncertain significance. Last evaluated: 2022-07-12. Review status: criteria provided, single submitter. Criteria: Invitae Variant Classification Sherloc (09022015). Collection method: clinical testing. Allele origin: germline.
Comment: This variant is present in population databases (rs751011058, gnomAD 0.006%). This sequence change replaces isoleucine, which is neutral and non-polar, with valine, which is neutral and non-polar, at codon 499 of the PCDH12 protein (p.Ile499Val). In summary, the available evidence is currently insufficient to determine the role of this variant in disease. Therefore, it has been classified as a Variant of Uncertain Significance. Advanced modeling of protein sequence and biophysical properties (such as structural, functional, and spatial information, amino acid conservation, physicochemical variation, residue mobility, and thermodynamic stability) performed at Invitae indicates that this missense variant is not expected to disrupt PCDH12 protein function. ClinVar contains an entry for this variant (Variation ID: 1501869). This variant has not been reported in the literature in individuals affected with PCDH12-related conditions.

NM_016580.4(PCDH12):c.1495A>G (p.Ile499Val)

Genes: PCDH12 (protocadherin 12; minus strand), RNF14 (ring finger protein 14; plus strand). Cytogenetic location: 5q31.3.
Variant type: single nucleotide variant.
Coding change: c.1495A>G on transcript NM_016580.4 (MANE Select); coding-DNA position 1495, A replaced by G.
Protein change: p.Ile499Val; replaces isoleucine 499 with valine.
Molecular consequence: missense variant.
Genome position (GRCh38, 1-based): chr5:141,956,357, T>C on the plus strand (A>G on the coding strand, the complement: PCDH12 is on the minus strand). VCF-style: chr5-141956357-T-C. GRCh37 (hg19) VCF-style: chr5-141335922-T-C.
Other names: short protein forms I499V.
Identifiers: ClinVar variation 1501869 (VCV001501869.6), dbSNP rs751011058, ClinGen allele CA3484392.